The following is an entry in ClinVar:

NM_001171.6(ABCC6):c.2661C>T (p.Arg887=)

Gene: ABCC6 (ATP binding cassette subfamily C member 6; minus strand). Cytogenetic location: 16p13.11.
Variant type: single nucleotide variant.
Coding change: c.2661C>T on transcript NM_001171.6 (MANE Select); coding-DNA position 2661, C replaced by T.
Protein change: p.Arg887=; no amino-acid change (arginine 887 retained).
Molecular consequence: synonymous variant. On other transcripts: non-coding transcript variant (1).
Genome position (GRCh38, 1-based): chr16:16,175,916, G>A on the plus strand (C>T on the coding strand, the complement: ABCC6 is on the minus strand). VCF-style: chr16-16175916-G-A. GRCh37 (hg19) VCF-style: chr16-16269773-G-A.
Other names: c.2319C>T, p.Arg773= (NM_001351800.1); c.2661C>T (NM_001171.5).
Identifiers: ClinVar variation 1522779 (VCV001522779.11), dbSNP rs376958386, ClinGen allele CA7925839.

ClinVar aggregate classification (germline): Conflicting classifications of pathogenicity. Review status: criteria provided, conflicting classifications (1 of 4 stars). 4 submissions from 4 submitters: Uncertain significance (1); Likely benign (2). 1 of the submissions does not count toward it. Last evaluated 2025-09-23.

Conditions:
Arterial calcification, generalized, of infancy, 2. Identifiers: Orphanet 51608, MedGen C3276161, MONDO:0013768, OMIM 614473.
Autosomal recessive inherited pseudoxanthoma elasticum (PXE). Identifiers: Orphanet 758, MedGen CN032334, MONDO:0009925, OMIM 264800.
Pseudoxanthoma elasticum, forme fruste. Also called: Pseudoxanthoma Elasticum, Incomplete; PSEUDOXANTHOMA ELASTICUM, HETEROZYGOUS. Identifiers: Orphanet 758, MedGen C1867450, MONDO:0008333, OMIM 177850.
ABCC6-related disorder. Also called: ABCC6-related condition.

Allele frequency attached by ClinVar (database versions not stated): gnomAD exomes 0.00001; ExAC 0.00002; TOPMed 0.00002; gnomAD 0.00003 and 0.00004; ESP Exome Variant Server 0.00008.
gnomAD v4.1: 19 of 1,613,958 alleles (0.0012%); highest among the groups gnomAD compares: African/African-American, 0.0027%; no homozygotes.

Submissions (4):

Labcorp Genetics (formerly Invitae), Labcorp
Classification: Likely benign. Last evaluated: 2025-09-23. Review status: criteria provided, single submitter. Criteria: Invitae Variant Classification Sherloc (09022015). Collection method: clinical testing. Allele origin: germline.

Fulgent Genetics
Classification: Uncertain significance for Pseudoxanthoma elasticum, forme fruste; Autosomal recessive inherited pseudoxanthoma elasticum; Arterial calcification, generalized, of infancy, 2. Last evaluated: 2024-01-29. Review status: criteria provided, single submitter. Criteria: ACMG Guidelines, 2015. Collection method: clinical testing. Allele origin: germline.

Blueprint Genetics
Classification: Likely benign. Last evaluated: 2022-04-04. Review status: criteria provided, single submitter. Criteria: ACMG Guidelines, 2015. Collection method: clinical testing. Allele origin: germline.

PreventionGenetics, part of Exact Sciences
Classification: Likely benign for ABCC6-related condition. Last evaluated: 2024-08-09. Review status: no assertion criteria provided. Collection method: clinical testing. Allele origin: germline. Not counted in ClinVar's aggregate classification.
Comment: This variant is classified as likely benign based on ACMG/AMP sequence variant interpretation guidelines (Richards et al. 2015 PMID: 25741868, with internal and published modifications).